The following is an entry in ClinVar:

ClinVar aggregate classification (germline): Uncertain significance. Review status: criteria provided, multiple submitters, no conflicts (2 of 4 stars). 2 submissions from 2 submitters: Uncertain significance (2). Last evaluated 2025-01-17.

Conditions:
Bethlem myopathy 1A. Also called: Bethlem Muscular Dystrophy; MYOPATHY, BENIGN CONGENITAL, WITH CONTRACTURES; Bethlem myopathy 1. Identifiers: Orphanet 610, MedGen CN029274, MONDO:0024530, OMIM 158810.

Allele frequency attached by ClinVar (database versions not stated): TOPMed below 0.00001; gnomAD exomes 0.00001.
gnomAD v4.1: 11 of 1,613,986 alleles (0.00068%); highest among the groups gnomAD compares: Non-Finnish European, 0.00093%; no homozygotes.

Submissions (2):

GeneDx
Classification: Uncertain significance. Last evaluated: 2025-01-17. Review status: criteria provided, single submitter. Criteria: GeneDx Variant Classification Process June 2021. Collection method: clinical testing. Allele origin: germline.
Comment: Not observed at significant frequency in large population cohorts (gnomAD); In silico analysis supports that this missense variant has a deleterious effect on protein structure/function; Has not been previously published as pathogenic or benign to our knowledge

Labcorp Genetics (formerly Invitae), Labcorp
Classification: Uncertain significance for Bethlem myopathy 1A. Last evaluated: 2024-08-16. Review status: criteria provided, single submitter. Criteria: Invitae Variant Classification Sherloc (09022015). Collection method: clinical testing. Allele origin: germline.
Comment: This sequence change replaces aspartic acid, which is acidic and polar, with valine, which is neutral and non-polar, at codon 1653 of the COL6A3 protein (p.Asp1653Val). This variant is not present in population databases (gnomAD no frequency). This variant has not been reported in the literature in individuals affected with COL6A3-related conditions. Invitae Evidence Modeling of protein sequence and biophysical properties (such as structural, functional, and spatial information, amino acid conservation, physicochemical variation, residue mobility, and thermodynamic stability) has been performed for this missense variant. However, the output from this modeling did not meet the statistical confidence thresholds required to predict the impact of this variant on COL6A3 protein function. In summary, the available evidence is currently insufficient to determine the role of this variant in disease. Therefore, it has been classified as a Variant of Uncertain Significance.

NM_004369.4(COL6A3):c.4958A>T (p.Asp1653Val)

Gene: COL6A3 (collagen type VI alpha 3 chain; minus strand). Cytogenetic location: 2q37.3.
Variant type: single nucleotide variant.
Coding change: c.4958A>T on transcript NM_004369.4 (MANE Select); coding-DNA position 4958, A replaced by T.
Protein change: p.Asp1653Val; replaces aspartic acid 1653 with valine.
Molecular consequence: missense variant.
Genome position (GRCh38, 1-based): chr2:237,367,229, T>A on the plus strand (A>T on the coding strand, the complement: COL6A3 is on the minus strand). VCF-style: chr2-237367229-T-A. GRCh37 (hg19) VCF-style: chr2-238275872-T-A.
Other names: c.3137A>T, p.Asp1046Val (NM_057166.5); c.4340A>T, p.Asp1447Val (NM_057167.4); short protein forms D1447V, D1653V, D1046V.
Identifiers: ClinVar variation 2898737 (VCV002898737.5), dbSNP rs1388135232, ClinGen allele CA351189989.